The following is an entry in ClinVar:

ClinVar aggregate classification (germline): Conflicting classifications of pathogenicity. Review status: criteria provided, conflicting classifications (1 of 4 stars). 8 submissions from 7 submitters: Uncertain significance (3); Benign (1); Likely benign (3). 1 of the submissions does not count toward it. Last evaluated 2026-01-17.

Conditions:
Connective tissue disorder. Also called: Connective tissue disease. Identifiers: MedGen C0009782, MONDO:0003900.
Otospondylomegaepiphyseal dysplasia, autosomal recessive (OSMEDB). Also called: Insley-Astley syndrome; CHONDRODYSTROPHY WITH SENSORINEURAL DEAFNESS. Identifiers: Orphanet 1427, MedGen CN034493, MONDO:0044206, OMIM 215150.
COL11A2-related disorder. Also called: COL11A2-related disorders; COL11A2-related condition.
Fibrochondrogenesis 2 (FBCG2). Identifiers: Orphanet 2021, MedGen C3281128, MONDO:0013795, OMIM 614524.

Allele frequency attached by ClinVar (database versions not stated): gnomAD 0.00002 and 0.00048; TOPMed 0.00008; gnomAD exomes 0.00022 and 0.00044; ExAC 0.00105; 1000 Genomes Project 30x 0.00312; 1000 Genomes Project 0.00339.
gnomAD v4.1: 408 of 1,564,354 alleles (0.026%); highest among the groups gnomAD compares: South Asian, 0.39%; 3 homozygotes.

Submissions (8):

Labcorp Genetics (formerly Invitae), Labcorp
Classification: Benign. Last evaluated: 2026-01-17. Review status: criteria provided, single submitter. Criteria: Invitae Variant Classification Sherloc (09022015). Collection method: clinical testing. Allele origin: germline.

Blueprint Genetics
Classification: Likely benign. Last evaluated: 2024-09-16. Review status: criteria provided, single submitter. Criteria: ACMG Guidelines, 2015. Collection method: clinical testing. Allele origin: germline.

Genome Diagnostics Laboratory, The Hospital for Sick Children
Classification: Uncertain significance for Connective tissue disorder. Last evaluated: 2022-07-04. Review status: criteria provided, single submitter. Criteria: ACMG Guidelines, 2015. Collection method: clinical testing. Allele origin: germline.

GeneDx
Classification: Likely benign. Last evaluated: 2021-06-03. Review status: criteria provided, single submitter. Criteria: GeneDx Variant Classification Process June 2021. Collection method: clinical testing. Allele origin: germline. Affected: yes.

Illumina Laboratory Services, Illumina
Classification: Uncertain significance for Otospondylomegaepiphyseal dysplasia, autosomal recessive. Last evaluated: 2018-01-13. Review status: criteria provided, single submitter. Criteria: ICSL Variant Classification Criteria 13 December 2019. Collection method: clinical testing. Allele origin: germline.

Illumina Laboratory Services, Illumina
Classification: Uncertain significance for Fibrochondrogenesis 2. Last evaluated: 2018-01-13. Review status: criteria provided, single submitter. Criteria: ICSL Variant Classification Criteria 13 December 2019. Collection method: clinical testing. Allele origin: germline.

Laboratory for Molecular Medicine, Mass General Brigham Personalized Medicine
Classification: Likely benign. Last evaluated: 2016-03-03. Review status: criteria provided, single submitter. Criteria: LMM Criteria. Collection method: clinical testing. Allele origin: germline. Observed: 1 variant allele.
Comment: c.4751-9A>G in intron 63 of COL11A2: This variant is not expected to have clinic al significance because it has been identified in 0.3% (22/8166) of South Asian chromosomes by the Exome Aggregation Consortium (ExAC; dbSNP rs555680585).

PreventionGenetics, part of Exact Sciences
Classification: Likely benign for COL11A2-related condition. Last evaluated: 2019-07-12. Review status: no assertion criteria provided. Collection method: clinical testing. Allele origin: germline. Not counted in ClinVar's aggregate classification.
Comment: This variant is classified as likely benign based on ACMG/AMP sequence variant interpretation guidelines (Richards et al. 2015 PMID: 25741868, with internal and published modifications).

NM_080680.3(COL11A2):c.4751-9A>G

Gene: COL11A2 (collagen type XI alpha 2 chain; minus strand). Cytogenetic location: 6p21.32.
Variant type: single nucleotide variant.
Coding change: c.4751-9A>G on transcript NM_080680.3 (MANE Select); 9 bases into the intron before coding-DNA position 4751, A replaced by G.
Molecular consequence: intron variant.
Genome position (GRCh38, 1-based): chr6:33,164,973, T>C on the plus strand (A>G on the coding strand, the complement: COL11A2 is on the minus strand). VCF-style: chr6-33164973-T-C. GRCh37 (hg19) VCF-style: chr6-33132750-T-C.
Other names: c.4430-9A>G (NM_080679.3); c.4493-9A>G (NM_080681.3).
Identifiers: ClinVar variation 227272 (VCV000227272.24), dbSNP rs555680585, ClinGen allele CA3749999.